The following is an entry in ClinVar:

NM_001371986.1(UNC80):c.4144G>A (p.Glu1382Lys)

Gene: UNC80 (unc-80 subunit of NALCN channel complex; plus strand). Cytogenetic location: 2q34.
Variant type: single nucleotide variant.
Coding change: c.4144G>A on transcript NM_001371986.1 (MANE Select); coding-DNA position 4144, G replaced by A.
Protein change: p.Glu1382Lys; replaces glutamic acid 1382 with lysine.
Molecular consequence: missense variant.
Genome position (GRCh38, 1-based): chr2:209,888,128, G>A. VCF-style: chr2-209888128-G-A. GRCh37 (hg19) VCF-style: chr2-210752852-G-A.
Other names: c.4150G>A, p.Glu1384Lys (NM_032504.2); c.4135G>A, p.Glu1379Lys (NM_182587.4); short protein forms E1379K, E1384K, E1382K.
Identifiers: ClinVar variation 4979189 (VCV004979189.1).

ClinVar aggregate classification (germline): Uncertain significance (1 of 4 stars; one submission).

Conditions:
UNC80-related disorder. Also called: UNC80-related condition.

gnomAD v4.1: 8 of 1,551,682 alleles (0.00052%); highest among the groups gnomAD compares: South Asian, 0.0012%; no homozygotes.

Submission:

PreventionGenetics, part of Exact Sciences
Classification: Uncertain significance for UNC80-related condition. Last evaluated: 2025-01-25. Review status: criteria provided, single submitter. Criteria: ACMG Guidelines, 2015. Collection method: clinical testing. Allele origin: germline.
Comment: The UNC80 c.4150G>A variant is predicted to result in the amino acid substitution p.Glu1384Lys. To our knowledge, this variant has not been reported in the literature or in a large population database (gnomAD), indicating this variant is rare. At this time, the clinical significance of this variant is uncertain due to the absence of conclusive functional and genetic evidence.